The following is an entry in ClinVar:

ClinVar aggregate classification (germline): Uncertain significance. Review status: criteria provided, multiple submitters, no conflicts (2 of 4 stars). 2 submissions from 2 submitters: Uncertain significance (2). Last evaluated 2026-09-29.

Conditions:
Inborn genetic diseases. Identifiers: MedGen C0950123, MeSH D030342.

Submissions (2):

GeneDx
Classification: Uncertain significance. Last evaluated: 2026-09-29. Review status: criteria provided, single submitter. Criteria: GeneDx Variant Classification Process June 2021. Collection method: clinical testing. Allele origin: germline.
Comment: In silico analysis suggests that this missense variant does not alter protein structure/function; Has not been previously published as pathogenic or benign to our knowledge

Ambry Genetics
Classification: Uncertain significance for Inborn genetic diseases. Last evaluated: 2025-04-17. Review status: criteria provided, single submitter. Criteria: Ambry Variant Classification Scheme 2023. Collection method: clinical testing. Allele origin: germline.

NM_001039213.4(CEACAM16):c.896A>T (p.Lys299Met)

Genes: CEACAM16 (CEA cell adhesion molecule 16, tectorial membrane component; plus strand), CEACAM16-AS1 (CEACAM16, CEACAM19 and PVR antisense RNA 1; minus strand). Cytogenetic location: 19q13.32.
Variant type: single nucleotide variant.
Coding change: c.896A>T on transcript NM_001039213.4 (MANE Select); coding-DNA position 896, A replaced by T.
Protein change: p.Lys299Met; replaces lysine 299 with methionine.
Molecular consequence: missense variant.
Genome position (GRCh38, 1-based): chr19:44,705,824, A>T. VCF-style: chr19-44705824-A-T. GRCh37 (hg19) VCF-style: chr19-45209094-A-T.
Other names: c.896A>T (NM_001039213.2); short protein forms K299M.
Identifiers: ClinVar variation 3341011 (VCV003341011.3).
Genomic context (GRCh38, chr19:44,705,824, plus strand): 5'-ACATCAGCAGCATGACAGCCGCCCAGGAGGGGACGTACACATGTATTGCGAAGAACACCA[A>T]GACCCTGCTATCTGGATCTGCCTCAGTCGTGGTCAAGCTCTCTGGTGAGTCACCCCCAGC-3'
Protein context (NP_001034302.2, residues 289-309): GTYTCIAKNT[Lys299Met]TLLSGSASVV